The following is an entry in ClinVar:

NM_003705.5(SLC25A12):c.1029dup (p.Val344fs)

Gene: SLC25A12 (solute carrier family 25 member 12; minus strand). Cytogenetic location: 2q31.1.
Variant type: Duplication.
Coding change: c.1029dup on transcript NM_003705.5 (MANE Select); coding-DNA position 1029, one base duplicated (A; older notation c.1029dupA).
Protein change: p.Val344fs; shifts the reading frame from valine 344.
Molecular consequence: frameshift variant. On other transcripts: non-coding transcript variant (1).
Genome position (GRCh38, 1-based): chr2:171,813,481, T duplicated on the plus strand (A on the coding strand, the reverse complement: SLC25A12 is on the minus strand). VCF-style (leftmost placement, unchanged base first): chr2-171813480-C-CT. GRCh37 (hg19) VCF-style: chr2-172669990-C-CT.
Other names: short protein forms V344fs.
Identifiers: ClinVar variation 2831762 (VCV002831762.3), dbSNP rs2545188998, ClinGen allele CA2739271640.

ClinVar aggregate classification (germline): Pathogenic (1 of 4 stars; one submission).

Submission:

Labcorp Genetics (formerly Invitae), Labcorp
Classification: Pathogenic. Last evaluated: 2023-01-24. Review status: criteria provided, single submitter. Criteria: Invitae Variant Classification Sherloc (09022015). Collection method: clinical testing. Allele origin: germline.
Comment: This sequence change creates a premature translational stop signal (p.Val344Serfs*31) in the SLC25A12 gene. It is expected to result in an absent or disrupted protein product. Loss-of-function variants in SLC25A12 are known to be pathogenic (PMID: 20015484, 31403263). This variant is not present in population databases (gnomAD no frequency). This variant has not been reported in the literature in individuals affected with SLC25A12-related conditions. For these reasons, this variant has been classified as Pathogenic.

Literature cited by the submitters: PubMed 20015484; PubMed 31403263.